The following is an entry in ClinVar:

NM_001365480.1(CCDC88A):c.2808G>T (p.Gly936=)

Gene: CCDC88A (coiled-coil and HOOK domain protein 88A; minus strand). Cytogenetic location: 2p16.1.
Variant type: single nucleotide variant.
Coding change: c.2808G>T on transcript NM_001365480.1 (MANE Select); coding-DNA position 2808, G replaced by T.
Protein change: p.Gly936=; no amino-acid change (glycine 936 retained).
Molecular consequence: synonymous variant.
Genome position (GRCh38, 1-based): chr2:55,332,613, C>A on the plus strand (G>T on the coding strand, the complement: CCDC88A is on the minus strand). VCF-style: chr2-55332613-C-A. GRCh37 (hg19) VCF-style: chr2-55559749-C-A.
Other names: c.2808G>T, p.Gly936= (NM_001135597.2, NM_001254943.2, NM_018084.5).
Identifiers: ClinVar variation 2672814 (VCV002672814.26), dbSNP rs2544830361, ClinGen allele CA426150216.

ClinVar aggregate classification (germline): Likely benign. Review status: criteria provided, multiple submitters, no conflicts (2 of 4 stars). 2 submissions from 2 submitters: Likely benign (2). Last evaluated 2023-11-01.

Submissions (2):

CeGaT Center for Human Genetics Tuebingen
Classification: Likely benign. Last evaluated: 2023-11-01. Review status: criteria provided, single submitter. Criteria: CeGaT Center For Human Genetics Tuebingen Variant Classification Criteria Version 2. Collection method: clinical testing. Allele origin: germline. Affected: yes. Observed: 1 variant allele.
Comment: CCDC88A: PM2:Supporting, BP4, BP7

Labcorp Genetics (formerly Invitae), Labcorp
Classification: Likely benign. Last evaluated: 2023-05-26. Review status: criteria provided, single submitter. Criteria: Invitae Variant Classification Sherloc (09022015). Collection method: clinical testing. Allele origin: germline.